The following is an entry in ClinVar:

NM_000038.6(APC):c.8108A>T (p.Lys2703Ile)

Gene: APC (APC regulator of Wnt signaling pathway; plus strand). Cytogenetic location: 5q22.2.
Variant type: single nucleotide variant.
Coding change: c.8108A>T on transcript NM_000038.6 (MANE Select); coding-DNA position 8108, A replaced by T.
Protein change: p.Lys2703Ile; replaces lysine 2703 with isoleucine.
Molecular consequence: missense variant.
Genome position (GRCh38, 1-based): chr5:112,843,702, A>T. VCF-style: chr5-112843702-A-T. GRCh37 (hg19) VCF-style: chr5-112179399-A-T.
Other names: c.8108A>T, p.Lys2703Ile (NM_001127510.3, NM_001354895.2); c.8054A>T, p.Lys2685Ile (NM_001127511.3); c.8162A>T, p.Lys2721Ile (NM_001354896.2); c.8138A>T, p.Lys2713Ile (NM_001354897.2); c.8033A>T, p.Lys2678Ile (NM_001354898.2); c.8024A>T, p.Lys2675Ile (NM_001354899.2); c.7985A>T, p.Lys2662Ile (NM_001354900.2); c.7931A>T, p.Lys2644Ile (NM_001354901.2); and 5 more; short protein forms K2577I, K2675I, K2721I, K2543I, K2602I, K2678I, K2685I, K2703I.
Identifiers: ClinVar variation 655271 (VCV000655271.14), dbSNP rs1580690166, ClinGen allele CA16038941.

ClinVar aggregate classification (germline): Uncertain significance. Review status: criteria provided, multiple submitters, no conflicts (2 of 4 stars). 3 submissions from 3 submitters: Uncertain significance (3). Last evaluated 2025-08-20.

Conditions:
Familial adenomatous polyposis 1 (FAP1). Also called: FAMILIAL ADENOMATOUS POLYPOSIS 1, ATTENUATED; POLYPOSIS, ADENOMATOUS INTESTINAL. Identifiers: MedGen C2713442, MONDO:0021056, OMIM 175100. Disease mechanism: loss of function.
Hereditary cancer-predisposing syndrome. Also called: Hereditary neoplastic syndrome; Tumor predisposition; Neoplastic Syndromes, Hereditary; Hereditary Cancer Syndrome. Identifiers: Orphanet 140162, MedGen C0027672, MeSH D009386, MONDO:0015356.

Allele frequency attached by ClinVar (database versions not stated): gnomAD exomes below 0.00001; gnomAD 0.00001.
gnomAD v4.1: 3 of 1,613,958 alleles (0.00019%); highest among the groups gnomAD compares: Middle Eastern, 0.016%; no homozygotes.

Submissions (3):

Ambry Genetics
Classification: Uncertain significance for Hereditary cancer-predisposing syndrome. Last evaluated: 2025-08-20. Review status: criteria provided, single submitter. Criteria: Ambry Variant Classification Scheme 2023. Collection method: clinical testing. Allele origin: germline.
Comment: The p.K2703I variant (also known as c.8108A>T), located in coding exon 15 of the APC gene, results from an A to T substitution at nucleotide position 8108. The lysine at codon 2703 is replaced by isoleucine, an amino acid with dissimilar properties. This amino acid position is well conserved in available vertebrate species. In addition, in silico predictors for this gene do not accurately predict pathogenicity. Since supporting evidence is limited at this time, the clinical significance of this alteration remains unclear.

Baylor Genetics
Classification: Uncertain significance for Familial adenomatous polyposis 1. Last evaluated: 2023-08-31. Review status: criteria provided, single submitter. Criteria: ACMG Guidelines, 2015. Collection method: clinical testing. Allele origin: unknown.

Labcorp Genetics (formerly Invitae), Labcorp
Classification: Uncertain significance for Familial adenomatous polyposis 1. Last evaluated: 2022-08-13. Review status: criteria provided, single submitter. Criteria: Invitae Variant Classification Sherloc (09022015). Collection method: clinical testing. Allele origin: germline.
Comment: In summary, the available evidence is currently insufficient to determine the role of this variant in disease. Therefore, it has been classified as a Variant of Uncertain Significance. Algorithms developed to predict the effect of missense changes on protein structure and function are either unavailable or do not agree on the potential impact of this missense change (SIFT: "Deleterious"; PolyPhen-2: "Possibly Damaging"; Align-GVGD: "Class C0"). ClinVar contains an entry for this variant (Variation ID: 655271). This variant has not been reported in the literature in individuals affected with APC-related conditions. This variant is not present in population databases (gnomAD no frequency). This sequence change replaces lysine, which is basic and polar, with isoleucine, which is neutral and non-polar, at codon 2703 of the APC protein (p.Lys2703Ile).